The following is an entry in ClinVar:

NM_004646.4(NPHS1):c.2816-3T>C

Gene: NPHS1 (NPHS1 adhesion molecule, nephrin; minus strand). Cytogenetic location: 19q13.12.
Variant type: single nucleotide variant.
Coding change: c.2816-3T>C on transcript NM_004646.4 (MANE Select); 3 bases into the intron before coding-DNA position 2816, T replaced by C.
Molecular consequence: intron variant.
Genome position (GRCh38, 1-based): chr19:35,839,610, A>G on the plus strand (T>C on the coding strand, the complement: NPHS1 is on the minus strand). VCF-style: chr19-35839610-A-G. GRCh37 (hg19) VCF-style: chr19-36330512-A-G.
Identifiers: ClinVar variation 3040768 (VCV003040768.2), dbSNP rs746769666, ClinGen allele CA9390006.

ClinVar aggregate classification (germline): Likely benign (0 of 4 stars; one submission).

Conditions:
NPHS1-related disorder. Also called: NPHS1-related condition.

Allele frequency attached by ClinVar (database versions not stated): gnomAD exomes 0.00002; ExAC 0.00006; TOPMed 0.00023; gnomAD 0.00024.
gnomAD v4.1: 69 of 1,611,776 alleles (0.0043%); highest among the groups gnomAD compares: African/African-American, 0.071%; 1 homozygote.

Submission:

PreventionGenetics, part of Exact Sciences
Classification: Likely benign for NPHS1-related condition. Last evaluated: 2020-01-02. Review status: no assertion criteria provided. Collection method: clinical testing. Allele origin: germline.
Comment: This variant is classified as likely benign based on ACMG/AMP sequence variant interpretation guidelines (Richards et al. 2015 PMID: 25741868, with internal and published modifications).